The following is an entry in ClinVar:

NM_017534.6(MYH2):c.715G>A (p.Val239Met)

Genes: MYHAS (myosin heavy chain gene cluster antisense RNA; plus strand), MYH2 (myosin heavy chain 2; minus strand), LOC126862501 (CDK7 strongly-dependent group 2 enhancer GRCh37_chr17:10446256-10447455; plus strand). Cytogenetic location: 17p13.1.
Variant type: single nucleotide variant.
Coding change: c.715G>A on transcript NM_017534.6 (MANE Select); coding-DNA position 715, G replaced by A.
Protein change: p.Val239Met; replaces valine 239 with methionine.
Molecular consequence: missense variant.
Genome position (GRCh38, 1-based): chr17:10,543,737, C>T on the plus strand (G>A on the coding strand, the complement: MYH2 is on the minus strand). VCF-style: chr17-10543737-C-T. GRCh37 (hg19) VCF-style: chr17-10447054-C-T.
Other names: c.715G>A, p.Val239Met (NM_001100112.2); c.715G>A (NM_017534.5); short protein forms V239M.
Identifiers: ClinVar variation 2148044 (VCV002148044.7), dbSNP rs775289093, ClinGen allele CA8391559.

ClinVar aggregate classification (germline): Uncertain significance. Review status: criteria provided, multiple submitters, no conflicts (2 of 4 stars). 3 submissions from 3 submitters: Uncertain significance (3). Last evaluated 2025-01-20.

Conditions:
Inborn genetic diseases. Identifiers: MedGen C0950123, MeSH D030342.
Myopathy, proximal, and ophthalmoplegia (CMYO6). Also called: MYOPATHY WITH CONGENITAL JOINT CONTRACTURES, OPHTHALMOPLEGIA, AND RIMMED VACUOLES; CONGENITAL MYOPATHY 6 WITH OPHTHALMOPLEGIA; INCLUSION BODY MYOPATHY 3, AUTOSOMAL DOMINANT. Identifiers: Orphanet 363677, Orphanet 79091, MedGen C1854106, MONDO:0011577, OMIM 605637.

Allele frequency attached by ClinVar (database versions not stated): gnomAD 0.00001; gnomAD exomes 0.00002; TOPMed 0.00002; ExAC 0.00004.
gnomAD v4.1: 34 of 1,614,186 alleles (0.0021%); highest among the groups gnomAD compares: East Asian, 0.011%; no homozygotes.

Submissions (3):

Ambry Genetics
Classification: Uncertain significance for Inborn genetic diseases. Last evaluated: 2025-01-20. Review status: criteria provided, single submitter. Criteria: Ambry Variant Classification Scheme 2023. Collection method: clinical testing. Allele origin: germline.

Labcorp Genetics (formerly Invitae), Labcorp
Classification: Uncertain significance for Myopathy, proximal, and ophthalmoplegia. Last evaluated: 2025-01-15. Review status: criteria provided, single submitter. Criteria: Invitae Variant Classification Sherloc (09022015). Collection method: clinical testing. Allele origin: germline.
Comment: This sequence change replaces valine, which is neutral and non-polar, with methionine, which is neutral and non-polar, at codon 239 of the MYH2 protein (p.Val239Met). This variant is present in population databases (rs775289093, gnomAD 0.01%). This variant has not been reported in the literature in individuals affected with MYH2-related conditions. ClinVar contains an entry for this variant (Variation ID: 2148044). Invitae Evidence Modeling of protein sequence and biophysical properties (such as structural, functional, and spatial information, amino acid conservation, physicochemical variation, residue mobility, and thermodynamic stability) indicates that this missense variant is expected to disrupt MYH2 protein function with a positive predictive value of 80%. In summary, the available evidence is currently insufficient to determine the role of this variant in disease. Therefore, it has been classified as a Variant of Uncertain Significance.

GeneDx
Classification: Uncertain significance. Last evaluated: 2024-02-21. Review status: criteria provided, single submitter. Criteria: GeneDx Variant Classification Process June 2021. Collection method: clinical testing. Allele origin: germline. Affected: yes.
Comment: In silico analysis supports that this missense variant does not alter protein structure/function; Has not been previously published as pathogenic or benign to our knowledge